The following is an entry in ClinVar:

NM_001099403.2(PRDM8):c.202G>A (p.Val68Ile)

Gene: PRDM8 (PR/SET domain 8; plus strand). Cytogenetic location: 4q21.21.
Variant type: single nucleotide variant.
Coding change: c.202G>A on transcript NM_001099403.2 (MANE Select); coding-DNA position 202, G replaced by A.
Protein change: p.Val68Ile; replaces valine 68 with isoleucine.
Molecular consequence: missense variant.
Genome position (GRCh38, 1-based): chr4:80,200,282, G>A. VCF-style: chr4-80200282-G-A. GRCh37 (hg19) VCF-style: chr4-81121436-G-A.
Other names: c.202G>A, p.Val68Ile (NM_020226.4); short protein forms V68I.
Identifiers: ClinVar variation 949612 (VCV000949612.8), dbSNP rs1030327610, ClinGen allele CA99998119.
Genomic context (GRCh38, chr4:80,200,282, plus strand): 5'-CATACTTCCCTATATGACAGCATAGCTTTCATAGCTCTCAAGTCTACTGACAAGAGAACA[G>A]TACCGTATATCTTTCGGGTAAGTCTCCACTGTAGCTGTGTAGGTGTATGAGGGTAATGTC-3'
Protein context (NP_001092873.1, residues 58-78): IALKSTDKRT[Val68Ile]PYIFRVDTSA

ClinVar aggregate classification (germline): Uncertain significance. Review status: criteria provided, multiple submitters, no conflicts (2 of 4 stars). 2 submissions from 2 submitters: Uncertain significance (2). Last evaluated 2025-03-01.

Conditions:
Early-onset Lafora body disease. Also called: Epilepsy, progressive myoclonic, 10. Identifiers: Orphanet 324290, MedGen C4225258, MONDO:0014717, OMIM 616640.

Allele frequency attached by ClinVar (database versions not stated): gnomAD exomes below 0.00001; TOPMed 0.00002; gnomAD 0.00003.
gnomAD v4.1: 8 of 1,613,156 alleles (0.0005%); highest among the groups gnomAD compares: African/African-American, 0.0013%; no homozygotes.

Submissions (2):

Ambry Genetics
Classification: Uncertain significance. Last evaluated: 2025-03-01. Review status: criteria provided, single submitter. Criteria: Ambry Variant Classification Scheme 2023. Collection method: clinical testing. Allele origin: germline.

Labcorp Genetics (formerly Invitae), Labcorp
Classification: Uncertain significance for Early-onset Lafora body disease. Last evaluated: 2021-08-24. Review status: criteria provided, single submitter. Criteria: Invitae Variant Classification Sherloc (09022015). Collection method: clinical testing. Allele origin: germline.
Comment: This sequence change replaces valine with isoleucine at codon 68 of the PRDM8 protein (p.Val68Ile). The valine residue is moderately conserved and there is a small physicochemical difference between valine and isoleucine. This variant is not present in population databases (ExAC no frequency). This variant has not been reported in the literature in individuals affected with PRDM8-related conditions. Algorithms developed to predict the effect of missense changes on protein structure and function (SIFT, PolyPhen-2, Align-GVGD) all suggest that this variant is likely to be tolerated. In summary, the available evidence is currently insufficient to determine the role of this variant in disease. Therefore, it has been classified as a Variant of Uncertain Significance.